The following is an entry in ClinVar:

ClinVar aggregate classification (germline): Uncertain significance. Review status: criteria provided, multiple submitters, no conflicts (2 of 4 stars). 3 submissions from 3 submitters: Uncertain significance (3). Last evaluated 2025-07-28.

Conditions:
COL4A4-related disorder.

Allele frequency attached by ClinVar (database versions not stated): gnomAD exomes below 0.00001 and 0.00001.
gnomAD v4.1: 2 of 1,614,240 alleles (0.00012%); highest among the groups gnomAD compares: Admixed American, 0.0033%; no homozygotes.

Submissions (3):

PreventionGenetics, part of Exact Sciences
Classification: Uncertain significance for COL4A4-related condition. Last evaluated: 2025-07-28. Review status: criteria provided, single submitter. Criteria: ACMG Guidelines, 2015. Collection method: clinical testing. Allele origin: germline.
Comment: The COL4A4 c.4624T>C variant is predicted to result in the amino acid substitution p.Trp1542Arg. To our knowledge, this variant has not been reported in the literature. This variant is reported in 0.0058% of alleles in individuals of Latino descent in gnomAD. At this time, the clinical significance of this variant is uncertain due to the absence of conclusive functional and genetic evidence.

Labcorp Genetics (formerly Invitae), Labcorp
Classification: Uncertain significance. Last evaluated: 2022-07-12. Review status: criteria provided, single submitter. Criteria: Invitae Variant Classification Sherloc (09022015). Collection method: clinical testing. Allele origin: germline.
Comment: In summary, the available evidence is currently insufficient to determine the role of this variant in disease. Therefore, it has been classified as a Variant of Uncertain Significance. Advanced modeling of protein sequence and biophysical properties (such as structural, functional, and spatial information, amino acid conservation, physicochemical variation, residue mobility, and thermodynamic stability) performed at Invitae indicates that this missense variant is expected to disrupt COL4A4 protein function. ClinVar contains an entry for this variant (Variation ID: 1035771). This variant has not been reported in the literature in individuals affected with COL4A4-related conditions. This variant is present in population databases (no rsID available, gnomAD 0.006%). This sequence change replaces tryptophan, which is neutral and slightly polar, with arginine, which is basic and polar, at codon 1542 of the COL4A4 protein (p.Trp1542Arg).

Blueprint Genetics
Classification: Uncertain significance. Last evaluated: 2018-03-02. Review status: criteria provided, single submitter. Criteria: ACMG Guidelines, 2015. Collection method: clinical testing. Allele origin: germline.

NM_000092.5(COL4A4):c.4624T>C (p.Trp1542Arg)

Gene: COL4A4 (collagen type IV alpha 4 chain; minus strand). Cytogenetic location: 2q36.3.
Variant type: single nucleotide variant.
Coding change: c.4624T>C on transcript NM_000092.5 (MANE Select); coding-DNA position 4624, T replaced by C.
Protein change: p.Trp1542Arg; replaces tryptophan 1542 with arginine.
Molecular consequence: missense variant.
Genome position (GRCh38, 1-based): chr2:227,008,203, A>G on the plus strand (T>C on the coding strand, the complement: COL4A4 is on the minus strand). VCF-style: chr2-227008203-A-G. GRCh37 (hg19) VCF-style: chr2-227872919-A-G.
Other names: c.4624T>C (NM_000092.4); short protein forms W1542R.
Identifiers: ClinVar variation 1035771 (VCV001035771.12), dbSNP rs1161192021, ClinGen allele CA351140820.
Genomic context (GRCh38, chr2:227,008,203, plus strand): 5'-AGGGGCGGATCGCCTCTTCAGAGAGTGGCATCATGGGGAGGGGCGCAGCGCTGGCCAGCC[A>G]GTAGGATCTGTCGTTTCTCTGGGCATAGTGGCACACCTGGTGGATGTTGCAGTAGGCAAA-3'
Protein context (NP_000083.3, residues 1532-1552): HYAQRNDRSY[Trp1542Arg]LASAAPLPMM